The following continues an entry in ClinVar:

NM_007294.4(BRCA1):c.1504_1508del (p.Leu502fs)

Gene: BRCA1. ClinVar aggregate classification (germline): Pathogenic. Pathogenic (1).

Submissions 9 to 27 of 36:

Color Diagnostics, LLC DBA Color Health
Classification: Pathogenic for Hereditary cancer-predisposing syndrome. Last evaluated: 2023-10-19. Review status: criteria provided, single submitter. Criteria: ACMG Guidelines, 2015. Collection method: clinical testing. Allele origin: germline. Not counted in ClinVar's aggregate classification.
Comment: This variant deletes 5 nucleotides in exon 10 of the BRCA1 gene, creating a frameshift and premature translation stop signal. This variant is expected to result in an absent or non-functional protein product. This variant has been detected in at least 15 individuals affected with breast and ovarian cancer (PMID: 11376024, 19491284, 20104584, 21204799, 23479189, 23536787, 24010542, 24372583, 24728189, 26296701, 28993434, 30078507, 30130155, 33471991; Leiden Open Variation Database DB-ID BRCA1_001306; Color internal data). This variant has been identified in 3/251068 chromosomes in the general population by the Genome Aggregation Database (gnomAD). Loss of BRCA1 function is a known mechanism of disease. Based on the available evidence, this variant is classified as Pathogenic.

Institute for Genomic Medicine (IGM) Clinical Laboratory, Nationwide Children's Hospital
Classification: Pathogenic for Hereditary cancer-predisposing syndrome. Last evaluated: 2023-07-24. Review status: criteria provided, single submitter. Criteria: ACMG Guidelines, 2015. Collection method: clinical testing. Allele origin: germline. Not counted in ClinVar's aggregate classification.
Comment: This variant is predicted to result in loss of function through nonsense-mediated decay of the encoded transcript or premature truncation of the encoded protein in a gene in which loss of function is a known mechanism of disease (ACMG/AMP: PVS1; PMID:20104584). This variant has been reported at an elevated frequency in affected individuals/in multiple affected individuals in the literature (ACMG/AMP: PS4; PMIDs:9150151, 11376024, 20104584, 21204799, 23479189, 23536787, 24010542, 24312913, 24372583, 26296701, 28993434, 30130155). This variant is absent from or present at an exceedingly low frequency in gnomAD, a large-scale control population database (ACMG/AMP: PM2).

CeGaT Center for Human Genetics Tuebingen
Classification: Pathogenic. Last evaluated: 2023-07-01. Review status: criteria provided, single submitter. Criteria: CeGaT Center For Human Genetics Tuebingen Variant Classification Criteria Version 2. Collection method: clinical testing. Allele origin: germline. Affected: yes. Observed: 2 variant alleles. Not counted in ClinVar's aggregate classification.
Comment: BRCA1: PVS1, PM2

Baylor Genetics
Classification: Pathogenic for Breast-ovarian cancer, familial, susceptibility to, 1. Last evaluated: 2022-10-26. Review status: criteria provided, single submitter. Criteria: ACMG Guidelines, 2015. Collection method: clinical testing. Allele origin: unknown. Not counted in ClinVar's aggregate classification.

Revvity Omics, Revvity
Classification: Pathogenic. Last evaluated: 2022-05-31. Review status: criteria provided, single submitter. Criteria: ACMG Guidelines, 2015. Collection method: clinical testing. Allele origin: germline. Not counted in ClinVar's aggregate classification.

Clinical Genetics Laboratory, Skane University Hospital Lund
Classification: Pathogenic. Last evaluated: 2022-05-27. Review status: criteria provided, single submitter. Criteria: ACMG Guidelines, 2015. Collection method: clinical testing. Allele origin: germline. Affected: yes. Not counted in ClinVar's aggregate classification.

Women's Health and Genetics/Laboratory Corporation of America, LabCorp
Classification: Pathogenic for Hereditary breast ovarian cancer syndrome. Last evaluated: 2021-03-31. Review status: criteria provided, single submitter. Criteria: LabCorp Variant Classification Summary - May 2015. Collection method: clinical testing. Allele origin: germline. Not counted in ClinVar's aggregate classification.
Comment: Variant summary: BRCA1 c.1504_1508delTTAAA (p.Leu502AlafsX2) results in a premature termination codon, predicted to cause a truncation of the encoded protein or absence of the protein due to nonsense mediated decay, which are commonly known mechanisms for disease. Truncations downstream of this position have been classified as pathogenic by our laboratory. The variant allele was found at a frequency of 1.2e-05 in 251068 control chromosomes. c.1504_1508delTTAAA has been reported in the literature in multiple individuals affected with Hereditary Breast And Ovarian Cancer Syndrome (example, Rebbeck_2018). These data indicate that the variant is very likely to be associated with disease. To our knowledge, no experimental evidence demonstrating an impact on protein function has been reported. Fourteen clinical diagnostic laboratories, one consortium (CIMBA), and one expert panel (ENIGMA) have submitted clinical-significance assessments for this variant to ClinVar after 2014 without evidence for independent evaluation. All submitters classified the variant as pathogenic. Based on the evidence outlined above, the variant was classified as pathogenic.

Genetics and Molecular Pathology, SA Pathology
Classification: Pathogenic for Breast-ovarian cancer, familial, susceptibility to, 1. Last evaluated: 2020-08-17. Review status: criteria provided, single submitter. Criteria: ACMG Guidelines, 2015. Collection method: clinical testing. Allele origin: germline. Affected: no. Not counted in ClinVar's aggregate classification.

Genomic Research Center, Shahid Beheshti University of Medical Sciences
Classification: Pathogenic for Hereditary breast and ovarian cancer syndrome. Last evaluated: 2020-05-03. Review status: criteria provided, single submitter. Criteria: ACMG Guidelines, 2015. Collection method: clinical testing. Allele origin: unknown. Affected: yes. Not counted in ClinVar's aggregate classification.

GeneKor MSA
Classification: Pathogenic for Hereditary Breast Carcinoma. Last evaluated: 2020-01-01. Review status: criteria provided, single submitter. Criteria: ACMG Guidelines, 2015. Collection method: clinical testing. Allele origin: germline. Affected: yes. Not counted in ClinVar's aggregate classification.
Comment: This sequence change deletes 5 nucleotide from exon 11 of the BRCA1 mRNA (c.843_846delCTCA), causing a frameshift after codon 502 and the creation of a premature translation stop signal 2 amino acid residues later- p.(Leu502Alafs). This is expected to result in an absent or disrupted protein product. Truncating variants in BRCA1 are known to be pathogenic. This sequence change has been described in individuals and families affected with breast and/or ovarian cancer (PMID: 23479189, 20104584, 24372583 26296701). This mutation has been described in the mutation database ClinVar (Variation ID: 37417)

Clinical Genetics and Genomics, Karolinska University Hospital
Classification: Pathogenic. Last evaluated: 2019-12-23. Review status: criteria provided, single submitter. Criteria: ACMG Guidelines, 2015. Collection method: clinical testing. Allele origin: germline. Affected: yes. Observed: 1 variant allele. Not counted in ClinVar's aggregate classification.

GeneDx
Classification: Pathogenic. Last evaluated: 2019-12-12. Review status: criteria provided, single submitter. Criteria: GeneDx Variant Classification Process June 2021. Collection method: clinical testing. Allele origin: germline. Affected: yes. Not counted in ClinVar's aggregate classification.
Comment: Frameshift variant predicted to result in protein truncation or nonsense mediated decay in a gene for which loss-of-function is a known mechanism of disease; Observed in individuals with BRCA1-related cancers (Peelen 1997, Ellingson 2015, Laraqui 2015, Riahi 2015); Not observed at a significant frequency in large population cohorts (Lek 2016); Truncating variants in this gene are considered pathogenic by a well-established clinical consortium and/or database; Also known as 1623del5 and 1623_1627delTTAAA; This variant is associated with the following publications: (PMID: 9150151, 26187060, 17262179, 27836010, 25814778, 10737987, 11857748, 23479189, 24372583, 26296701, 27211102, 28127413, 27025497, 26577449, 28152038, 27062684, 29907814, 28993434, 31159747, 30322717, 30720243, 30078507, 30720863, 30702160, 29176636)

Genomic Research Center, Shahid Beheshti University of Medical Sciences
Classification: Pathogenic for Breast-ovarian cancer, familial, susceptibility to, 1. Last evaluated: 2017-12-03. Review status: criteria provided, single submitter. Criteria: ACMG Guidelines, 2015. Collection method: clinical testing. Allele origin: inherited. Affected: yes. Not counted in ClinVar's aggregate classification.

Institute for Biomarker Research, Medical Diagnostic Laboratories, L.L.C.
Classification: Pathogenic for Hereditary breast ovarian cancer syndrome. Last evaluated: 2016-04-25. Review status: criteria provided, single submitter. Criteria: ACMG Guidelines, 2015. Collection method: clinical testing. Allele origin: germline. Not counted in ClinVar's aggregate classification.

Consortium of Investigators of Modifiers of BRCA1/2 (CIMBA), c/o University of Cambridge
Classification: Pathogenic for Breast-ovarian cancer, familial, susceptibility to, 1. Last evaluated: 2015-10-02. Review status: criteria provided, single submitter. Criteria: CIMBA Mutation Classification guidelines May 2016. Collection method: clinical testing. Allele origin: germline. Not counted in ClinVar's aggregate classification.

Genesis Genomics
Classification: Pathogenic for Breast-ovarian cancer, familial, susceptibility to, 1. Review status: criteria provided, single submitter. Criteria: ACMG Guidelines, 2015. Collection method: clinical testing. Allele origin: germline. Affected: yes. Observed: 3 variant alleles. Clinical features observed: Breast cancer. Not counted in ClinVar's aggregate classification.

Imagene.me medical diagnostic laboratory, IMAGENE.ME SA
Classification: Pathogenic for Breast-ovarian cancer, familial, susceptibility to, 1. Review status: criteria provided, single submitter. Criteria: IMAGENE.ME Variant Classification SOP 2022. Collection method: clinical testing. Allele origin: germline. Not counted in ClinVar's aggregate classification.
Comment: Classified according to the IMAGENE.ME variant classification SOP based on the ACMG guidelines as Pathogenic (P).

PreventionGenetics, part of Exact Sciences
Classification: Pathogenic for BRCA1-related condition. Last evaluated: 2024-07-24. Review status: no assertion criteria provided. Collection method: clinical testing. Allele origin: germline. Not counted in ClinVar's aggregate classification.
Comment: The BRCA1 c.1504_1508del5 variant is predicted to result in a frameshift and premature protein termination (p.Leu502Alafs*2). This variant has been reported many times in individuals with breast and/or ovarian cancer (see for examples, de Juan Jiménez et al. 2013. PubMed ID: 23479189; Stavropoulou et al. 2013. PubMed ID: 23536787; Table S2, Tsaousis et al. 2019. PubMed ID: 31159747). This variant is reported in 0.0098% of alleles in individuals of South Asian descent in gnomAD, and has been classified as pathogenic by an expert panel in ClinVar. Given the evidence, we interpret this variant as pathogenic.

BRCAlab, Lund University
Classification: Pathogenic for Breast-ovarian cancer, familial, susceptibility to, 1. Last evaluated: 2022-08-26. Review status: no assertion criteria provided. Collection method: clinical testing. Allele origin: germline. Affected: yes. Not counted in ClinVar's aggregate classification.